The following is an entry in ClinVar:

ClinVar aggregate classification (germline): Conflicting classifications of pathogenicity. Review status: criteria provided, conflicting classifications (1 of 4 stars). 6 submissions from 6 submitters: Likely pathogenic (1); Uncertain significance (3); Likely benign (1). 1 of the submissions does not count toward it. Last evaluated 2026-10-01.

Conditions:
Fanconi anemia (FA). Also called: Fanconi's anemia. Identifiers: Orphanet 84, MedGen C0015625, MeSH D005199, MONDO:0019391.
Premature ovarian insufficiency (POF). Also called: Premature ovarian failure. Identifiers: MedGen C4303540, HP:0008209.
Fanconi anemia complementation group A (FANCA). Also called: FANCA-Related Fanconi Anemia; Fanconi anemia, group A. Identifiers: Orphanet 84, MedGen C3469521, MONDO:0009215, OMIM 227650.

Allele frequency attached by ClinVar (database versions not stated): ESP Exome Variant Server 0.00008; gnomAD 0.00004; TOPMed 0.00004.
gnomAD v4.1: 17 of 1,613,988 alleles (0.0011%); highest among the groups gnomAD compares: African/African-American, 0.004%; no homozygotes.

Submissions (6):

St. Jude Molecular Pathology, St. Jude Children's Research Hospital
Classification: Uncertain significance for Fanconi anemia complementation group A. Last evaluated: 2026-10-01. Review status: criteria provided, single submitter. Criteria: St. Jude Assertion Criteria 2020. Collection method: clinical testing. Allele origin: germline.
Comment: The FANCA c.3665C>T p.(Pro1222Leu) missense change has a maximum subpopulation frequency of 0.012% in gnomAD v2.1.1. The in silico tool REVEL is inconclusive about a pathogenic or benign effect of this variant on protein function, and to our knowledge functional studies have not been performed. This variant has been reported in an individual with recurrent breast cancer (PMID: 33762291). This variant has also been reported in an individual with malignant pleural mesothelioma, who carried variant in a different gene (TSC2 c.1915C > T p.(Arg639Trp)). To our knowledge, this variant has not been reported in individuals with Fanconi anemia. In summary, the evidence currently available is insufficient to determine the clinical significance of this variant. It has therefore been classified as of uncertain significance (VUS-Low).

Quest Diagnostics Nichols Institute San Juan Capistrano
Classification: Uncertain significance. Last evaluated: 2025-05-19. Review status: criteria provided, single submitter. Criteria: Quest Diagnostics criteria. Collection method: clinical testing. Allele origin: unknown.
Comment: The FANCA c.3665C>T (p.Pro1222Leu) variant has been reported in the published literature in individuals with ovarian insufficiency (PMID: 34480478 (2021)), breast cancer (PMID: 33762291 (2021)), and pancreatic cancer (PMID: 28767289 (2017)). The frequency of this variant in the general population (Genome Aggregation Database) is uninformative in the assessment of its pathogenicity. Analysis of this variant using bioinformatics tools for the prediction of the effect of amino acid changes on protein structure and function yielded predictions that this variant is damaging. Based on the available information, we are unable to determine the clinical significance of this variant.

Labcorp Genetics (formerly Invitae), Labcorp
Classification: Likely benign for Fanconi anemia. Last evaluated: 2024-11-20. Review status: criteria provided, single submitter. Criteria: Invitae Variant Classification Sherloc (09022015). Collection method: clinical testing. Allele origin: germline.

GeneDx
Classification: Uncertain significance. Last evaluated: 2021-03-10. Review status: criteria provided, single submitter. Criteria: GeneDx Variant Classification Process June 2021. Collection method: clinical testing. Allele origin: germline. Affected: yes.
Comment: In silico analysis supports that this missense variant has a deleterious effect on protein structure/function; Observed in heterozygous state in an individuals with malignant pleural mesothelioma and pancreatic cancer in published literature (Betti et al., 2017; Shindo et al., 2017); This variant is associated with the following publications: (PMID: 28687356, 28767289, 32659497)

Medical Cytogenetics and Molecular Genetics Laboratory, IRCCS Istituto Auxologico Italiano
Classification: Likely pathogenic for Premature ovarian failure. Last evaluated: 2020-03-02. Review status: criteria provided, single submitter. Criteria: ACMG Guidelines, 2015. Collection method: research. Allele origin: germline. Affected: yes. Observed: 1 variant allele.

Natera, Inc.
Classification: Uncertain significance for Fanconi anemia. Last evaluated: 2020-07-08. Review status: no assertion criteria provided. Collection method: clinical testing. Allele origin: germline. Not counted in ClinVar's aggregate classification.

Literature cited by the submitters: PubMed 34480478 (cited by Quest Diagnostics Nichols Institute San Juan Capistrano); PubMed 33762291 (cited by Quest Diagnostics Nichols Institute San Juan Capistrano); PubMed 28767289 (cited by Quest Diagnostics Nichols Institute San Juan Capistrano).

NM_000135.4(FANCA):c.3665C>T (p.Pro1222Leu)

Gene: FANCA (FA complementation group A; minus strand). Cytogenetic location: 16q24.3.
Variant type: single nucleotide variant.
Coding change: c.3665C>T on transcript NM_000135.4 (MANE Select); coding-DNA position 3665, C replaced by T.
Protein change: p.Pro1222Leu; replaces proline 1222 with leucine.
Molecular consequence: missense variant.
Genome position (GRCh38, 1-based): chr16:89,742,900, G>A on the plus strand (C>T on the coding strand, the complement: FANCA is on the minus strand). VCF-style: chr16-89742900-G-A. GRCh37 (hg19) VCF-style: chr16-89809308-G-A.
Other names: c.3665C>T (NM_000135.3); c.3665C>T, p.Pro1222Leu (NM_001286167.3); short protein forms P1222L.
Identifiers: ClinVar variation 929781 (VCV000929781.16), dbSNP rs374537936, ClinGen allele CA8251027.
Genomic context (GRCh38, chr16:89,742,900, plus strand): 5'-ATGTTTTCTTCCCTGACTTGTTGAATCGCAAAGTGCAGTGCAGCAGCTGAGAGCCAGTCC[G>A]GGTTGGGTGCTGGGGAGGCAGCCTCAGGGGAGAGGAAACTGGGACAGAGAGAACGGGGTC-3'
Protein context (NP_000126.2, residues 1212-1232): SPEAASPAPN[Pro1222Leu]DWLSAAALHF